The following is an entry in ClinVar:

ClinVar aggregate classification (germline): Likely benign. Review status: criteria provided, multiple submitters, no conflicts (2 of 4 stars). 3 submissions from 3 submitters: Likely benign (3). Last evaluated 2025-04-08.

Conditions:
Tuberous sclerosis syndrome (TSC). Also called: Tuberous Sclerosis Complex; Tuberous sclerosis. Identifiers: Orphanet 805, MedGen C0041341, MONDO:0001734.
Tuberous sclerosis 1 (TSC1). Identifiers: Orphanet 805, MedGen C1854465, MONDO:0008612, OMIM 191100.

Allele frequency attached by ClinVar (database versions not stated): gnomAD exomes below 0.00001.
gnomAD v4.1: 1 of 1,614,052 alleles (0.000062%); highest among the groups gnomAD compares: Non-Finnish European, 0.000085%; no homozygotes.

Submissions (3):

Myriad Genetics, Inc.
Classification: Likely benign for Tuberous sclerosis 1. Last evaluated: 2025-04-08. Review status: criteria provided, single submitter. Criteria: Myriad Autosomal Dominant, Autosomal Recessive and X-Linked Classification Criteria (2023). Collection method: clinical testing. Allele origin: unknown.
Comment: This variant is considered likely benign. This variant is intronic and is not expected to impact mRNA splicing.

All of Us Research Program, National Institutes of Health
Classification: Likely benign for Tuberous sclerosis syndrome. Last evaluated: 2023-07-22. Review status: criteria provided, single submitter. Criteria: ACMG Guidelines, 2015. Collection method: clinical testing. Allele origin: germline. Inheritance: Autosomal dominant inheritance. Observed: 1 variant allele, 1 heterozygote.
Comment: This study involves interpretation of variants in research participants for the purpose of population health screening. Participant phenotype was not available at the time of variant classification. Additional details can be found in publication PMID: 35346344, PMCID: PMC8962531

Labcorp Genetics (formerly Invitae), Labcorp
Classification: Likely benign for Tuberous sclerosis 1. Last evaluated: 2023-06-30. Review status: criteria provided, single submitter. Criteria: Invitae Variant Classification Sherloc (09022015). Collection method: clinical testing. Allele origin: germline.

NM_000368.5(TSC1):c.364-15C>T

Gene: TSC1 (TSC complex subunit 1; minus strand). Cytogenetic location: 9q34.13.
Variant type: single nucleotide variant.
Coding change: c.364-15C>T on transcript NM_000368.5 (MANE Select); 15 bases into the intron before coding-DNA position 364, C replaced by T.
Molecular consequence: intron variant.
Genome position (GRCh38, 1-based): chr9:132,923,507, G>A on the plus strand (C>T on the coding strand, the complement: TSC1 is on the minus strand). VCF-style: chr9-132923507-G-A. GRCh37 (hg19) VCF-style: chr9-135798894-G-A.
Other names: c.1-15C>T (NM_001362177.2); c.211-15C>T (NM_001162427.2); c.364-15C>T (NM_001162426.2).
Identifiers: ClinVar variation 1640793 (VCV001640793.10), dbSNP rs1846686000, ClinGen allele CA2518182678.